The following is an entry in ClinVar:

ClinVar aggregate classification (germline): Uncertain significance (1 of 4 stars; one submission).

Allele frequency attached by ClinVar (database versions not stated): gnomAD 0.00001; TOPMed below 0.00001; ExAC 0.00002.
gnomAD v4.1: 5 of 1,613,230 alleles (0.00031%); highest among the groups gnomAD compares: African/African-American, 0.0027%; no homozygotes.

Submission:

Labcorp Genetics (formerly Invitae), Labcorp
Classification: Uncertain significance. Last evaluated: 2025-02-20. Review status: criteria provided, single submitter. Criteria: Invitae Variant Classification Sherloc (09022015). Collection method: clinical testing. Allele origin: germline.
Comment: This sequence change replaces glutamine, which is neutral and polar, with proline, which is neutral and non-polar, at codon 252 of the RHOBTB2 protein (p.Gln252Pro). This variant is present in population databases (rs758475942, gnomAD 0.004%). This variant has not been reported in the literature in individuals affected with RHOBTB2-related conditions. ClinVar contains an entry for this variant (Variation ID: 2811632). Invitae Evidence Modeling of protein sequence and biophysical properties (such as structural, functional, and spatial information, amino acid conservation, physicochemical variation, residue mobility, and thermodynamic stability) indicates that this missense variant is not expected to disrupt RHOBTB2 protein function with a negative predictive value of 80%. In summary, the available evidence is currently insufficient to determine the role of this variant in disease. Therefore, it has been classified as a Variant of Uncertain Significance.

NM_015178.3(RHOBTB2):c.689A>C (p.Gln230Pro)

Gene: RHOBTB2 (Rho related BTB domain containing 2; plus strand). Cytogenetic location: 8p21.3.
Variant type: single nucleotide variant.
Coding change: c.689A>C on transcript NM_015178.3 (MANE Select); coding-DNA position 689, A replaced by C.
Protein change: p.Gln230Pro; replaces glutamine 230 with proline.
Molecular consequence: missense variant.
Genome position (GRCh38, 1-based): chr8:23,006,934, A>C. VCF-style: chr8-23006934-A-C. GRCh37 (hg19) VCF-style: chr8-22864447-A-C.
Other names: c.755A>C, p.Gln252Pro (NM_001160036.2); c.710A>C, p.Gln237Pro (NM_001160037.2); c.689A>C, p.Gln230Pro (NM_001374791.1); short protein forms Q237P, Q230P, Q252P.
Identifiers: ClinVar variation 2811632 (VCV002811632.3), dbSNP rs758475942, ClinGen allele CA4672504.